The following is an entry in ClinVar:

ClinVar aggregate classification (germline): Likely pathogenic. Review status: criteria provided, single submitter (1 of 4 stars). 2 submissions from 2 submitters: Likely pathogenic (1). 1 of the submissions does not count toward it. Last evaluated 2017-09-13.

Conditions:
Polycystic kidney disease. Also called: Kidney, Polycystic; Polycystic kidney dysplasia. Identifiers: MedGen C0022680, MeSH D007690, MONDO:0020642, HP:0000113.

Submissions (2):

Athena Diagnostics
Classification: Likely pathogenic. Last evaluated: 2017-09-13. Review status: criteria provided, single submitter. Criteria: Athena Diagnostics Criteria. Collection method: clinical testing. Allele origin: germline.

Department of Pathology and Laboratory Medicine, Sinai Health System
Classification: Pathogenic for Polycystic Kidney disease. Review status: no assertion criteria provided. Collection method: clinical testing. Allele origin: unknown. Affected: yes. Observed: 1 variant allele. Study: The Canadian Open Genetics Repository (COGR). Not counted in ClinVar's aggregate classification.
Comment: The PKD1 p.Ala2849ProfsX26 variant was not identified in the literature nor was it identified in dbSNP, the Exome Aggregation Consortium database (March 14, 2016), Clinvitae, ClinVar, GeneInsight COGR, MutDB, ADPKD Mutation Database, PKD1-LOVD, or PKD1-LOVD 3.0 databases. The p.Ala2849ProfsX26 variant is predicted to cause a frameshift, which alters the protein amino acid sequence beginning at codon 2849 and leads to a premature stop codon 26 codons downstream. This alteration is then predicted to result in a truncated or absent protein and loss of function. Loss of function variants of the PKD1 gene are an established mechanism of disease in autosomal dominant polycystic kidney disease and is the type of variant expected to cause the disorder. In addition the variant occurs outside of the splicing consensus sequence and 3 of 5 in silico or computational prediction software programs (SpliceSiteFinder, MaxEntScan, NNSPLICE, GeneSplicer, HumanSpliceFinder) predict a greater than 10% difference in splicing, specifically predicting the creation of a 5â€šÃ„Ã´ splice site. This predicted change occurs prior to the deletion and could provide an alternate mechanism for pathogenicity. However, this in silico information is not predictive enough to assume pathogenicity. Based on the above information, this variant meets our laboratoryâ€šÃ„Ã´s criteria to be classified as pathogenic.

NM_001009944.3(PKD1):c.8545del (p.Ala2849fs)

Gene: PKD1 (polycystin 1, transient receptor potential channel interacting; minus strand). Cytogenetic location: 16p13.3.
Variant type: Deletion.
Coding change: c.8545del on transcript NM_001009944.3 (MANE Select); coding-DNA position 8545, one base deleted (G; older notation c.8545delG).
Protein change: p.Ala2849fs; shifts the reading frame from alanine 2849.
Molecular consequence: frameshift variant.
Genome position (GRCh38, 1-based): chr16:2,103,512, C deleted on the plus strand (G on the coding strand, the reverse complement: PKD1 is on the minus strand); the first of 2 consecutive C bases (chr16:2,103,512-2,103,513); deleting either gives the same sequence. VCF-style (leftmost placement, unchanged base first): chr16-2103511-GC-G. GRCh37 (hg19) VCF-style: chr16-2153512-GC-G.
Other names: c.8545del, p.Ala2849fs (NM_000296.4); short protein forms A2849fs.
Identifiers: ClinVar variation 433992 (VCV000433992.3), dbSNP rs1555451093, ClinGen allele CA645373033.